The following is an entry in ClinVar:

NM_001018113.3(FANCB):c.1317T>A (p.Ser439Arg)

Gene: FANCB (FA complementation group B; minus strand). Cytogenetic location: Xp22.2.
Variant type: single nucleotide variant.
Coding change: c.1317T>A on transcript NM_001018113.3 (MANE Select); coding-DNA position 1317, T replaced by A.
Protein change: p.Ser439Arg; replaces serine 439 with arginine.
Molecular consequence: missense variant.
Genome position (GRCh38, 1-based): chrX:14,853,048, A>T on the plus strand (T>A on the coding strand, the complement: FANCB is on the minus strand). VCF-style: chrX-14853048-A-T. GRCh37 (hg19) VCF-style: chrX-14871170-A-T.
Other names: c.1317T>A, p.Ser439Arg (NM_001324162.2, NM_152633.4); short protein forms S439R.
Identifiers: ClinVar variation 1421028 (VCV001421028.9), dbSNP rs776802337, ClinGen allele CA412442375.
Genomic context (GRCh38, chrX:14,853,048, plus strand): 5'-TATAGATTTTCAATTCATAAAATGATAAAATGGTCACATGATTACTTTTACCTCCTCTGC[A>T]CTTGACGTATTATCATCTTTTCCTTGAACTAGGTTTATTAAAGCTTTGTAAGATTTTGAA-3'
Protein context (NP_001018123.1, residues 429-449): LVQGKDDNTS[Ser439Arg]AEEKECLVPL

ClinVar aggregate classification (germline): Uncertain significance. Review status: criteria provided, multiple submitters, no conflicts (2 of 4 stars). 4 submissions from 4 submitters: Uncertain significance (4). Last evaluated 2025-01-06.

Conditions:
Fanconi anemia complementation group B (FANCB). Also called: FANCONI PANCYTOPENIA, TYPE 2; FANCB-Related Fanconi Anemia. Identifiers: Orphanet 84, MedGen C1845292, MONDO:0010351, OMIM 300514.
VACTERL association, X-linked, with or without hydrocephalus (VACTERLX). Also called: VACTERL ASSOCIATION, X-LINKED; VACTERL-H, X-LINKED; VACTERL Association with Hydrocephalus, X-linked; X-linked VACTERL-H syndrome. Identifiers: Orphanet 3412, MedGen C2931228, MONDO:0010752, OMIM 314390.
Fanconi anemia (FA). Also called: Fanconi's anemia. Identifiers: Orphanet 84, MedGen C0015625, MeSH D005199, MONDO:0019391.

gnomAD v4.1: 5 of 1,200,261 alleles (0.00042%); highest among the groups gnomAD compares: South Asian, 0.0071%; no homozygotes.

Submissions (4):

Labcorp Genetics (formerly Invitae), Labcorp
Classification: Uncertain significance for Fanconi anemia. Last evaluated: 2025-01-06. Review status: criteria provided, single submitter. Criteria: Invitae Variant Classification Sherloc (09022015). Collection method: clinical testing. Allele origin: germline.
Comment: This sequence change replaces serine, which is neutral and polar, with arginine, which is basic and polar, at codon 439 of the FANCB protein (p.Ser439Arg). This variant is present in population databases (no rsID available, gnomAD 0.005%). This variant has not been reported in the literature in individuals affected with FANCB-related conditions. ClinVar contains an entry for this variant (Variation ID: 1421028). Invitae Evidence Modeling of protein sequence and biophysical properties (such as structural, functional, and spatial information, amino acid conservation, physicochemical variation, residue mobility, and thermodynamic stability) has been performed for this missense variant. However, the output from this modeling did not meet the statistical confidence thresholds required to predict the impact of this variant on FANCB protein function. In summary, the available evidence is currently insufficient to determine the role of this variant in disease. Therefore, it has been classified as a Variant of Uncertain Significance.

Baylor Genetics
Classification: Uncertain significance for Fanconi anemia complementation group B. Last evaluated: 2022-04-14. Review status: criteria provided, single submitter. Criteria: ACMG Guidelines, 2015. Collection method: clinical testing. Allele origin: unknown.

Fulgent Genetics
Classification: Uncertain significance for Fanconi anemia complementation group B; VACTERL association, X-linked, with or without hydrocephalus. Last evaluated: 2022-02-11. Review status: criteria provided, single submitter. Criteria: ACMG Guidelines, 2015. Collection method: clinical testing. Allele origin: unknown.

Revvity Omics, Revvity
Classification: Uncertain significance for Fanconi anemia complementation group B. Last evaluated: 2019-05-28. Review status: criteria provided, single submitter. Criteria: ACMG Guidelines, 2015. Collection method: clinical testing. Allele origin: germline.